The following is an entry in ClinVar:

ClinVar aggregate classification (germline): Likely benign. Review status: criteria provided, multiple submitters, no conflicts (2 of 4 stars). 2 submissions from 2 submitters: Likely benign (2). Last evaluated 2026-05-01.

Conditions:
GFRA1-related disorder. Also called: GFRA1-related condition.

gnomAD v4.1: 154 of 1,614,152 alleles (0.0095%); highest among the groups gnomAD compares: Admixed American, 0.018%; no homozygotes.

Submissions (2):

CeGaT Center for Human Genetics Tuebingen
Classification: Likely benign. Last evaluated: 2026-05-01. Review status: criteria provided, single submitter. Criteria: CeGaT Center For Human Genetics Tuebingen Variant Classification Criteria Version 2. Collection method: clinical testing. Allele origin: germline. Affected: yes. Observed: 1 variant allele.
Comment: GFRA1: BP4, BP7

PreventionGenetics, part of Exact Sciences
Classification: Likely benign for GFRA1-related condition. Last evaluated: 2025-12-18. Review status: criteria provided, single submitter. Criteria: ACMG Guidelines, 2015. Collection method: clinical testing. Allele origin: germline.
Comment: This variant is classified as likely benign based on ACMG/AMP sequence variant interpretation guidelines (Richards et al. 2015 PMID: 25741868, with internal and published modifications).

NM_005264.8(GFRA1):c.1170T>C (p.His390=)

Gene: GFRA1 (GDNF family receptor alpha 1; minus strand). Cytogenetic location: 10q25.3.
Variant type: single nucleotide variant.
Coding change: c.1170T>C on transcript NM_005264.8 (MANE Select); coding-DNA position 1170, T replaced by C.
Protein change: p.His390=; no amino-acid change (histidine 390 retained).
Molecular consequence: synonymous variant.
Genome position (GRCh38, 1-based): chr10:116,089,768, A>G on the plus strand (T>C on the coding strand, the complement: GFRA1 is on the minus strand). VCF-style: chr10-116089768-A-G. GRCh37 (hg19) VCF-style: chr10-117849279-A-G.
Other names: c.1170T>C (NM_001348098.1); c.1155T>C, p.His385= (NM_001145453.4, NM_001348096.3, NM_001382556.2 and 6 more transcripts); c.1170T>C, p.His390= (NM_001348098.4); c.807T>C, p.His269= (NM_001348099.3).
Identifiers: ClinVar variation 4872508 (VCV004872508.3).
Genomic context (GRCh38, chr10:116,089,768, plus strand): 5'-AGCCCCAGCAAGGAATCTGGACGCAGTTCTCACCTGTAAATTTGCACACGGTGGCAAAAC[A>G]TGAGTGGGAATTTCATTCTCAGACCCTGCTGGCCCCAGGGGCTTGTTCTTAACCCGGAGG-3'
Protein context (NP_005255.1, residues 380-400): PAGSENEIPT[His390=]VLPPCANLQA